The following is an entry in ClinVar:

NM_000264.5(PTCH1):c.1829T>C (p.Ile610Thr)

Genes: PTCH1 (patched 1; minus strand), LOC100507346 (uncharacterized LOC100507346; plus strand). Cytogenetic location: 9q22.32.
Variant type: single nucleotide variant.
Coding change: c.1829T>C on transcript NM_000264.5 (MANE Select); coding-DNA position 1829, T replaced by C.
Protein change: p.Ile610Thr; replaces isoleucine 610 with threonine.
Molecular consequence: missense variant. On other transcripts: non-coding transcript variant (2).
Genome position (GRCh38, 1-based): chr9:95,469,831, A>G on the plus strand (T>C on the coding strand, the complement: PTCH1 is on the minus strand). VCF-style: chr9-95469831-A-G. GRCh37 (hg19) VCF-style: chr9-98232113-A-G.
Other names: c.1631T>C, p.Ile544Thr (NM_001083602.3); c.1826T>C, p.Ile609Thr (NM_001083603.3); c.1376T>C, p.Ile459Thr (NM_001083604.3, NM_001083605.3, NM_001083606.3 and 1 more transcripts); c.1673T>C, p.Ile558Thr (NM_001354918.2); short protein forms I544T, I610T, I609T, I459T, I558T.
Identifiers: ClinVar variation 524586 (VCV000524586.11), dbSNP rs1234183663, ClinGen allele CA374116255.

ClinVar aggregate classification (germline): Uncertain significance. Review status: criteria provided, multiple submitters, no conflicts (2 of 4 stars). 2 submissions from 2 submitters: Uncertain significance (2). Last evaluated 2026-07-13.

Conditions:
Hereditary cancer-predisposing syndrome. Also called: Hereditary Cancer Syndrome; Tumor predisposition; Hereditary neoplastic syndrome; Neoplastic Syndromes, Hereditary. Identifiers: Orphanet 140162, MedGen C0027672, MeSH D009386, MONDO:0015356.
Gorlin syndrome. Also called: Nevoid Basal Cell Carcinoma Syndrome; Basal cell nevus syndrome. Identifiers: Orphanet 377, MedGen C0004779, MONDO:0007187.

Allele frequency attached by ClinVar (database versions not stated): TOPMed 0.00001; gnomAD 0.00001.
gnomAD v4.1: 1 of 1,613,564 alleles (0.000062%); highest among the groups gnomAD compares: Non-Finnish European, 0.000085%; no homozygotes.

Submissions (2):

Ambry Genetics
Classification: Uncertain significance for Hereditary cancer-predisposing syndrome. Last evaluated: 2026-07-13. Review status: criteria provided, single submitter. Criteria: Ambry Variant Classification Scheme 2023. Collection method: clinical testing. Allele origin: germline.
Comment: The p.I610T variant (also known as c.1829T>C), located in coding exon 13 of the PTCH1 gene, results from a T to C substitution at nucleotide position 1829. The isoleucine at codon 610 is replaced by threonine, an amino acid with similar properties. This amino acid position is conserved. In addition, this alteration is predicted to be deleterious by in silico analysis. Based on the available evidence, the clinical significance of this alteration remains unclear.

Labcorp Genetics (formerly Invitae), Labcorp
Classification: Uncertain significance for Gorlin syndrome. Last evaluated: 2017-08-17. Review status: criteria provided, single submitter. Criteria: Invitae Variant Classification Sherloc (09022015). Collection method: clinical testing. Allele origin: germline.
Comment: This variant is not present in population databases (ExAC no frequency). This sequence change replaces isoleucine with threonine at codon 610 of the PTCH1 protein (p.Ile610Thr). The isoleucine residue is moderately conserved and there is a moderate physicochemical difference between isoleucine and threonine. This variant has not been reported in the literature in individuals with PTCH1-related disease. In summary, the available evidence is currently insufficient to determine the role of this variant in disease. Therefore, it has been classified as a Variant of Uncertain Significance. Algorithms developed to predict the effect of missense changes on protein structure and function do not agree on the potential impact of this missense change (SIFT: "Deleterious"; PolyPhen-2: "Possibly Damaging"; Align-GVGD: "Class C0").